The following is an entry in ClinVar:

ClinVar aggregate classification (germline): Uncertain significance (1 of 4 stars; one submission).

Conditions:
Nemaline myopathy 2 (NEM2). Also called: Nemaline myopathy 2, autosomal recessive. Identifiers: MedGen C1850569, MONDO:0009725, OMIM 256030.

Submission:

Labcorp Genetics (formerly Invitae), Labcorp
Classification: Uncertain significance for Nemaline myopathy 2. Last evaluated: 2022-05-27. Review status: criteria provided, single submitter. Criteria: Invitae Variant Classification Sherloc (09022015). Collection method: clinical testing. Allele origin: germline.
Comment: In summary, the available evidence is currently insufficient to determine the role of this variant in disease. Therefore, it has been classified as a Variant of Uncertain Significance. This sequence change replaces isoleucine, which is neutral and non-polar, with methionine, which is neutral and non-polar, at codon 4099 of the NEB protein (p.Ile4099Met). This variant is not present in population databases (gnomAD no frequency). This variant has not been reported in the literature in individuals affected with NEB-related conditions. Algorithms developed to predict the effect of missense changes on protein structure and function are either unavailable or do not agree on the potential impact of this missense change (SIFT: "Deleterious"; PolyPhen-2: "Not Available"; Align-GVGD: "Class C0").

NM_001164508.2(NEB):c.12297C>G (p.Ile4099Met)

Gene: NEB (nebulin; minus strand). Cytogenetic location: 2q23.3.
Variant type: single nucleotide variant.
Coding change: c.12297C>G on transcript NM_001164508.2 (MANE Select); coding-DNA position 12297, C replaced by G.
Protein change: p.Ile4099Met; replaces isoleucine 4099 with methionine.
Molecular consequence: missense variant.
Genome position (GRCh38, 1-based): chr2:151,609,842, G>C on the plus strand (C>G on the coding strand, the complement: NEB is on the minus strand). VCF-style: chr2-151609842-G-C. GRCh37 (hg19) VCF-style: chr2-152466356-G-C.
Other names: c.12297C>G, p.Ile4099Met (NM_001164507.2, NM_001271208.2); c.11568C>G, p.Ile3856Met (NM_004543.5); short protein forms I4099M, I3856M.
Identifiers: ClinVar variation 1352119 (VCV001352119.8), dbSNP rs1442726188, ClinGen allele CA348776638.